The following is an entry in ClinVar:

NM_018089.3(ANKZF1):c.1351G>A (p.Glu451Lys)

Gene: ANKZF1 (ankyrin repeat and zinc finger peptidyl tRNA hydrolase 1; plus strand). Cytogenetic location: 2q35.
Variant type: single nucleotide variant.
Coding change: c.1351G>A on transcript NM_018089.3 (MANE Select); coding-DNA position 1351, G replaced by A.
Protein change: p.Glu451Lys; replaces glutamic acid 451 with lysine.
Molecular consequence: missense variant.
Genome position (GRCh38, 1-based): chr2:219,234,972, G>A. VCF-style: chr2-219234972-G-A. GRCh37 (hg19) VCF-style: chr2-220099694-G-A.
Other names: c.1351G>A, p.Glu451Lys (NM_001042410.2); c.721G>A, p.Glu241Lys (NM_001282792.2); c.1351G>A (NM_018089.2); short protein forms E451K, E241K.
Identifiers: ClinVar variation 1443821 (VCV001443821.7), dbSNP rs775860459, ClinGen allele CA2121045.
Genomic context (GRCh38, chr2:219,234,972, plus strand): 5'-GAAGTATTGCCCAAGCGGAGGAGGAGAAAAAGGAATAAGAAGGAGAAAAGCCGAGACCAG[G>A]AGGCTGGGGCACATCGGACTCTTCTCCAGCAAACTCAAGAAGAGGAGCCTTCCACACAGT-3'
Protein context (NP_060559.2, residues 441-461): RNKKEKSRDQ[Glu451Lys]AGAHRTLLQQ

ClinVar aggregate classification (germline): Uncertain significance. Review status: criteria provided, multiple submitters, no conflicts (2 of 4 stars). 2 submissions from 2 submitters: Uncertain significance (2). Last evaluated 2024-08-05.

Allele frequency attached by ClinVar (database versions not stated): gnomAD 0.00001; TOPMed 0.00001; gnomAD exomes 0.00003; ExAC 0.00006.

Submissions (2):

Labcorp Genetics (formerly Invitae), Labcorp
Classification: Uncertain significance. Last evaluated: 2024-08-05. Review status: criteria provided, single submitter. Criteria: Invitae Variant Classification Sherloc (09022015). Collection method: clinical testing. Allele origin: germline.
Comment: This sequence change replaces glutamic acid, which is acidic and polar, with lysine, which is basic and polar, at codon 451 of the ANKZF1 protein (p.Glu451Lys). This variant is present in population databases (rs775860459, gnomAD 0.006%). This variant has not been reported in the literature in individuals affected with ANKZF1-related conditions. ClinVar contains an entry for this variant (Variation ID: 1443821). An algorithm developed to predict the effect of missense changes on protein structure and function (PolyPhen-2) suggests that this variant is likely to be tolerated. In summary, the available evidence is currently insufficient to determine the role of this variant in disease. Therefore, it has been classified as a Variant of Uncertain Significance.

Ambry Genetics
Classification: Uncertain significance. Last evaluated: 2023-08-21. Review status: criteria provided, single submitter. Criteria: Ambry Variant Classification Scheme 2023. Collection method: clinical testing. Allele origin: germline.